The following is an entry in ClinVar:

ClinVar aggregate classification (germline): Uncertain significance (1 of 4 stars; one submission).

gnomAD v4.1: 3 of 1,612,716 alleles (0.00019%); highest among the groups gnomAD compares: East Asian, 0.0045%; no homozygotes.

Submission:

Labcorp Genetics (formerly Invitae), Labcorp
Classification: Uncertain significance. Last evaluated: 2025-07-25. Review status: criteria provided, single submitter. Criteria: Invitae Variant Classification Sherloc (09022015). Collection method: clinical testing. Allele origin: germline.
Comment: This sequence change replaces alanine, which is neutral and non-polar, with valine, which is neutral and non-polar, at codon 105 of the ALPK1 protein (p.Ala105Val). The frequency data for this variant in the population databases is considered unreliable, as metrics indicate poor data quality at this position in the gnomAD database. This variant has not been reported in the literature in individuals affected with ALPK1-related conditions. Invitae Evidence Modeling of protein sequence and biophysical properties (such as structural, functional, and spatial information, amino acid conservation, physicochemical variation, residue mobility, and thermodynamic stability) indicates that this missense variant is not expected to disrupt ALPK1 protein function with a negative predictive value of 80%. In summary, the available evidence is currently insufficient to determine the role of this variant in disease. Therefore, it has been classified as a Variant of Uncertain Significance.

NM_025144.4(ALPK1):c.314C>T (p.Ala105Val)

Gene: ALPK1 (alpha kinase 1; plus strand). Cytogenetic location: 4q25.
Variant type: single nucleotide variant.
Coding change: c.314C>T on transcript NM_025144.4 (MANE Select); coding-DNA position 314, C replaced by T.
Protein change: p.Ala105Val; replaces alanine 105 with valine.
Molecular consequence: missense variant.
Genome position (GRCh38, 1-based): chr4:112,411,864, C>T. VCF-style: chr4-112411864-C-T. GRCh37 (hg19) VCF-style: chr4-113333020-C-T.
Other names: c.314C>T, p.Ala105Val (NM_001102406.2); c.80C>T, p.Ala27Val (NM_001253884.2); short protein forms A27V, A105V.
Identifiers: ClinVar variation 4762352 (VCV004762352.1).